The following is an entry in ClinVar:

NM_173630.4(RTTN):c.6358C>T (p.Pro2120Ser)

Gene: RTTN (rotatin; minus strand). Cytogenetic location: 18q22.2.
Variant type: single nucleotide variant.
Coding change: c.6358C>T on transcript NM_173630.4 (MANE Select); coding-DNA position 6358, C replaced by T.
Protein change: p.Pro2120Ser; replaces proline 2120 with serine.
Molecular consequence: missense variant.
Genome position (GRCh38, 1-based): chr18:70,017,470, G>A on the plus strand (C>T on the coding strand, the complement: RTTN is on the minus strand). VCF-style: chr18-70017470-G-A. GRCh37 (hg19) VCF-style: chr18-67684706-G-A.
Other names: c.3622C>T, p.Pro1208Ser (NM_001318520.2); short protein forms P2120S, P1208S.
Identifiers: ClinVar variation 1947124 (VCV001947124.5), dbSNP rs2511823481, ClinGen allele CA402683062.

ClinVar aggregate classification (germline): Uncertain significance (1 of 4 stars; one submission).

gnomAD v4.1: 1 of 1,613,886 alleles (0.000062%); highest among the groups gnomAD compares: Non-Finnish European, 0.000085%; no homozygotes.

Submission:

Labcorp Genetics (formerly Invitae), Labcorp
Classification: Uncertain significance. Last evaluated: 2023-10-03. Review status: criteria provided, single submitter. Criteria: Invitae Variant Classification Sherloc (09022015). Collection method: clinical testing. Allele origin: germline.
Comment: This sequence change replaces proline, which is neutral and non-polar, with serine, which is neutral and polar, at codon 2120 of the RTTN protein (p.Pro2120Ser). This variant is not present in population databases (gnomAD no frequency). This variant has not been reported in the literature in individuals affected with RTTN-related conditions. ClinVar contains an entry for this variant (Variation ID: 1947124). Advanced modeling of protein sequence and biophysical properties (such as structural, functional, and spatial information, amino acid conservation, physicochemical variation, residue mobility, and thermodynamic stability) performed at Invitae indicates that this missense variant is not expected to disrupt RTTN protein function. In summary, the available evidence is currently insufficient to determine the role of this variant in disease. Therefore, it has been classified as a Variant of Uncertain Significance.